The following is an entry in ClinVar:

ClinVar aggregate classification (germline): Uncertain significance. Review status: criteria provided, single submitter (1 of 4 stars). 2 submissions from 2 submitters: Uncertain significance (1). 1 of the submissions does not count toward it. Last evaluated 2021-08-30.

Conditions:
GNPTG-mucolipidosis. Also called: MUCOLIPIDOSIS III, COMPLEMENTATION GROUP C; MUCOLIPIDOSIS III, IRANIAN VARIANT FORM; MUCOLIPIDOSIS III, VARIANT FORM; ML III GAMMA; ML IIIC; Mucolipidosis type III gamma. Identifiers: Orphanet 423470, Orphanet 577, MedGen C1854896, MONDO:0009652, OMIM 252605.

Allele frequency attached by ClinVar (database versions not stated): gnomAD exomes below 0.00001; TOPMed below 0.00001; ExAC 0.00006.
gnomAD v4.1: 6 of 1,573,718 alleles (0.00038%); highest among the groups gnomAD compares: East Asian, 0.0023%; no homozygotes.

Submissions (2):

Labcorp Genetics (formerly Invitae), Labcorp
Classification: Uncertain significance. Last evaluated: 2021-08-30. Review status: criteria provided, single submitter. Criteria: Invitae Variant Classification Sherloc (09022015). Collection method: clinical testing. Allele origin: germline.
Comment: This sequence change replaces alanine with threonine at codon 20 of the GNPTG protein (p.Ala20Thr). The alanine residue is moderately conserved and there is a small physicochemical difference between alanine and threonine. This variant is present in population databases (rs758954616, ExAC 0.02%). This variant has not been reported in the literature in individuals affected with GNPTG-related conditions. Algorithms developed to predict the effect of missense changes on protein structure and function output the following: SIFT: "Deleterious"; PolyPhen-2: "Not Available"; Align-GVGD: "Class C0". The threonine amino acid residue is found in multiple mammalian species, which suggests that this missense change does not adversely affect protein function. In summary, the available evidence is currently insufficient to determine the role of this variant in disease. Therefore, it has been classified as a Variant of Uncertain Significance.

Natera, Inc.
Classification: Uncertain significance for Mucolipidosis III gamma. Last evaluated: 2021-10-07. Review status: no assertion criteria provided. Collection method: clinical testing. Allele origin: germline. Not counted in ClinVar's aggregate classification.

NM_032520.5(GNPTG):c.58G>A (p.Ala20Thr)

Genes: GNPTG (N-acetylglucosamine-1-phosphate transferase subunit gamma; plus strand), LOC130058158 (ATAC-STARR-seq lymphoblastoid silent region 6972; plus strand). Cytogenetic location: 16p13.3.
Variant type: single nucleotide variant.
Coding change: c.58G>A on transcript NM_032520.5 (MANE Select); coding-DNA position 58, G replaced by A.
Protein change: p.Ala20Thr; replaces alanine 20 with threonine.
Molecular consequence: missense variant.
Genome position (GRCh38, 1-based): chr16:1,352,107, G>A. VCF-style: chr16-1352107-G-A. GRCh37 (hg19) VCF-style: chr16-1402108-G-A.
Other names: short protein forms A20T.
Identifiers: ClinVar variation 852607 (VCV000852607.8), dbSNP rs758954616, ClinGen allele CA7807459.